The following is an entry in ClinVar:

ClinVar aggregate classification (germline): Uncertain significance. Review status: criteria provided, multiple submitters, no conflicts (2 of 4 stars). 2 submissions from 2 submitters: Uncertain significance (2). Last evaluated 2024-11-11.

Allele frequency attached by ClinVar (database versions not stated): gnomAD exomes below 0.00001 and 0.00001; TOPMed below 0.00001; ExAC 0.00001; gnomAD 0.00001.
gnomAD v4.1: 18 of 1,614,120 alleles (0.0011%); highest among the groups gnomAD compares: African/African-American, 0.0013%; no homozygotes.

Submissions (2):

Labcorp Genetics (formerly Invitae), Labcorp
Classification: Uncertain significance. Last evaluated: 2024-11-11. Review status: criteria provided, single submitter. Criteria: Invitae Variant Classification Sherloc (09022015). Collection method: clinical testing. Allele origin: germline.
Comment: This sequence change replaces histidine, which is basic and polar, with arginine, which is basic and polar, at codon 45 of the SLC7A14 protein (p.His45Arg). This variant is present in population databases (rs768112164, gnomAD 0.004%). This variant has not been reported in the literature in individuals affected with SLC7A14-related conditions. ClinVar contains an entry for this variant (Variation ID: 1007952). An algorithm developed to predict the effect of missense changes on protein structure and function (PolyPhen-2) suggests that this variant is likely to be tolerated. In summary, the available evidence is currently insufficient to determine the role of this variant in disease. Therefore, it has been classified as a Variant of Uncertain Significance.

Blueprint Genetics
Classification: Uncertain significance. Last evaluated: 2024-07-19. Review status: criteria provided, single submitter. Criteria: ACMG Guidelines, 2015. Collection method: clinical testing. Allele origin: germline.

NM_020949.3(SLC7A14):c.134A>G (p.His45Arg)

Genes: SLC7A14 (solute carrier family 7 member 14; minus strand), SLC7A14-AS1 (SLC7A14 antisense RNA 1; plus strand). Cytogenetic location: 3q26.2.
Variant type: single nucleotide variant.
Coding change: c.134A>G on transcript NM_020949.3 (MANE Select); coding-DNA position 134, A replaced by G.
Protein change: p.His45Arg; replaces histidine 45 with arginine.
Molecular consequence: missense variant.
Genome position (GRCh38, 1-based): chr3:170,526,803, T>C on the plus strand (A>G on the coding strand, the complement: SLC7A14 is on the minus strand). VCF-style: chr3-170526803-T-C. GRCh37 (hg19) VCF-style: chr3-170244592-T-C.
Other names: short protein forms H45R.
Identifiers: ClinVar variation 1007952 (VCV001007952.9), dbSNP rs768112164, ClinGen allele CA2702005.